The following is an entry in ClinVar:

ClinVar aggregate classification (germline): Uncertain significance. Review status: criteria provided, multiple submitters, no conflicts (2 of 4 stars). 2 submissions from 2 submitters: Uncertain significance (2). Last evaluated 2025-07-16.

Conditions:
Early-infantile DEE. Also called: Early infantile epileptic encephalopathy; Ohtahara syndrome; Early infantile epileptic encephalopathy with suppression bursts. Identifiers: Orphanet 1934, MedGen C0393706, MONDO:0800491.

Allele frequency attached by ClinVar (database versions not stated): gnomAD exomes 0.00001; ExAC 0.00001; gnomAD 0.00001.
gnomAD v4.1: 9 of 1,597,166 alleles (0.00056%); highest among the groups gnomAD compares: Non-Finnish European, 0.00034%; no homozygotes.

Submissions (2):

GeneDx
Classification: Uncertain significance. Last evaluated: 2025-07-16. Review status: criteria provided, single submitter. Criteria: GeneDx Variant Classification Process June 2021. Collection method: clinical testing. Allele origin: germline. Affected: yes.
Comment: In silico analysis supports that this missense variant has a deleterious effect on protein structure/function; Has not been previously published as pathogenic or benign to our knowledge; This substitution is predicted to be within the C-terminal cytoplasmic domain

Labcorp Genetics (formerly Invitae), Labcorp
Classification: Uncertain significance for Early-infantile DEE. Last evaluated: 2024-11-29. Review status: criteria provided, single submitter. Criteria: Invitae Variant Classification Sherloc (09022015). Collection method: clinical testing. Allele origin: germline.
Comment: This sequence change replaces glutamine, which is neutral and polar, with arginine, which is basic and polar, at codon 646 of the KCNQ2 protein (p.Gln646Arg). This variant is present in population databases (rs766755499, gnomAD 0.01%). This variant has not been reported in the literature in individuals affected with KCNQ2-related conditions. ClinVar contains an entry for this variant (Variation ID: 205925). Invitae Evidence Modeling of protein sequence and biophysical properties (such as structural, functional, and spatial information, amino acid conservation, physicochemical variation, residue mobility, and thermodynamic stability) indicates that this missense variant is expected to disrupt KCNQ2 protein function with a positive predictive value of 95%. In summary, the available evidence is currently insufficient to determine the role of this variant in disease. Therefore, it has been classified as a Variant of Uncertain Significance.

NM_172107.4(KCNQ2):c.1937A>G (p.Gln646Arg)

Gene: KCNQ2 (potassium voltage-gated channel subfamily Q member 2; minus strand). Cytogenetic location: 20q13.33.
Variant type: single nucleotide variant.
Coding change: c.1937A>G on transcript NM_172107.4 (MANE Select); coding-DNA position 1937, A replaced by G.
Protein change: p.Gln646Arg; replaces glutamine 646 with arginine.
Molecular consequence: missense variant.
Genome position (GRCh38, 1-based): chr20:63,407,326, T>C on the plus strand (A>G on the coding strand, the complement: KCNQ2 is on the minus strand). VCF-style: chr20-63407326-T-C. GRCh37 (hg19) VCF-style: chr20-62038679-T-C.
Other names: p.Q646R:CAG>CGG; c.1991A>G, p.Gln664Arg (NM_001382235.1); c.1880A>G, p.Gln627Arg (NM_001439003.1); c.1850A>G, p.Gln617Arg (NM_001439004.1); c.1853A>G, p.Gln618Arg (NM_004518.6); c.1883A>G, p.Gln628Arg (NM_172106.3); c.1844A>G, p.Gln615Arg (NM_172108.5); short protein forms Q646R, Q615R, Q628R, Q618R, Q664R, Q617R, Q627R.
Identifiers: ClinVar variation 205925 (VCV000205925.9), dbSNP rs766755499, ClinGen allele CA315507.